The following is an entry in ClinVar:

ClinVar aggregate classification (germline): Benign/Likely benign. Review status: criteria provided, multiple submitters, no conflicts (2 of 4 stars). 4 submissions from 4 submitters: Benign (2); Likely benign (1). 1 of the submissions does not count toward it. Last evaluated 2024-11-22.

Conditions:
ITGA2-related disorder. Also called: ITGA2-related condition.
Platelet-type bleeding disorder 9 (BDPLT9). Also called: GLYCOPROTEIN Ia DEFICIENCY; GP Ia DEFICIENCY; COLLAGEN PLATELET RECEPTOR DEFICIENCY. Identifiers: Orphanet 73271, Orphanet 98886, MedGen C3280114, MONDO:0013622, OMIM 614200.

Allele frequency attached by ClinVar (database versions not stated): 1000 Genomes Project 0.00020; 1000 Genomes Project 30x 0.00031; TOPMed 0.00140; ExAC 0.00144; gnomAD exomes 0.00155 and 0.00204; gnomAD 0.00160 and 0.00173; ESP Exome Variant Server 0.00161.
gnomAD v4.1: 3,157 of 1,612,866 alleles (0.2%); highest among the groups gnomAD compares: Non-Finnish European, 0.25%; 6 homozygotes.

Submissions (4):

Blueprint Genetics
Classification: Likely benign. Last evaluated: 2024-11-22. Review status: criteria provided, single submitter. Criteria: ACMG Guidelines, 2015. Collection method: clinical testing. Allele origin: germline.

Illumina Laboratory Services, Illumina
Classification: Benign for Platelet-type bleeding disorder 9. Last evaluated: 2018-01-12. Review status: criteria provided, single submitter. Criteria: ICSL Variant Classification Criteria 13 December 2019. Collection method: clinical testing. Allele origin: germline.
Comment: This variant was observed in the ICSL laboratory as part of a predisposition screen in an ostensibly healthy population. It had not been previously curated by ICSL or reported in the Human Gene Mutation Database (HGMD: prior to June 1st, 2018), and was therefore a candidate for classification through an automated scoring system. Utilizing variant allele frequency, disease prevalence and penetrance estimates, and inheritance mode, an automated score was calculated to assess if this variant is too frequent to cause the disease. Based on the score and internal cut-off values, a variant classified as benign is not then subjected to further curation. The score for this variant resulted in a classification of benign for this disease.

Breakthrough Genomics
Classification: Benign. Review status: criteria provided, single submitter. Criteria: ACMG Guidelines, 2015. Collection method: not provided. Allele origin: germline. Inheritance: Unknown mechanism. Affected: yes.

PreventionGenetics, part of Exact Sciences
Classification: Likely benign for ITGA2-related condition. Last evaluated: 2020-03-12. Review status: no assertion criteria provided. Collection method: clinical testing. Allele origin: germline. Not counted in ClinVar's aggregate classification.
Comment: This variant is classified as likely benign based on ACMG/AMP sequence variant interpretation guidelines (Richards et al. 2015 PMID: 25741868, with internal and published modifications).

NM_002203.4(ITGA2):c.3021T>G (p.Thr1007=)

Gene: ITGA2 (integrin subunit alpha 2; plus strand). Cytogenetic location: 5q11.2.
Variant type: single nucleotide variant.
Coding change: c.3021T>G on transcript NM_002203.4 (MANE Select); coding-DNA position 3021, T replaced by G.
Protein change: p.Thr1007=; no amino-acid change (threonine 1007 retained).
Molecular consequence: synonymous variant. On other transcripts: non-coding transcript variant (5).
Genome position (GRCh38, 1-based): chr5:53,080,603, T>G. VCF-style: chr5-53080603-T-G. GRCh37 (hg19) VCF-style: chr5-52376433-T-G.
Identifiers: ClinVar variation 353776 (VCV000353776.9), dbSNP rs55980302, ClinGen allele CA3263373.
Genomic context (GRCh38, chr5:53,080,603, plus strand): 5'-AACTGTAATCATCCACATCCCTCAGTATACCAAAGAAAAGAACCCACTGATGTACCTAAC[T>G]GGGGTGCAAACAGACAAGGTAAAGATTAAAAAATTGCCTAAAAATGTGTACTTTCAAGAT-3'
Protein context (NP_002194.2, residues 997-1017): TKEKNPLMYL[Thr1007=]GVQTDKAGDI